The following is an entry in ClinVar:

NM_001360.3(DHCR7):c.1011C>T (p.Ala337=)

Gene: DHCR7 (7-dehydrocholesterol reductase; minus strand). Cytogenetic location: 11q13.4.
Variant type: single nucleotide variant.
Coding change: c.1011C>T on transcript NM_001360.3 (MANE Select); coding-DNA position 1011, C replaced by T.
Protein change: p.Ala337=; no amino-acid change (alanine 337 retained).
Molecular consequence: synonymous variant.
Genome position (GRCh38, 1-based): chr11:71,435,792, G>A on the plus strand (C>T on the coding strand, the complement: DHCR7 is on the minus strand). VCF-style: chr11-71435792-G-A. GRCh37 (hg19) VCF-style: chr11-71146838-G-A.
Other names: c.1011C>T, p.Ala337= (NM_001163817.2).
Identifiers: ClinVar variation 384536 (VCV000384536.15), dbSNP rs369382960, ClinGen allele CA6162334.

ClinVar aggregate classification (germline): Conflicting classifications of pathogenicity. Review status: criteria provided, conflicting classifications (1 of 4 stars). 5 submissions from 5 submitters: Uncertain significance (1); Likely benign (3). 1 of the submissions does not count toward it. Last evaluated 2024-11-16.

Conditions:
DHCR7-related disorder. Also called: DHCR7-related condition.
Smith-Lemli-Opitz syndrome (SLOS). Also called: LETHAL ACRODYSGENITAL SYNDROME; 7-Dehydrocholesterol reductase deficiency; POLYDACTYLY, SEX REVERSAL, RENAL HYPOPLASIA, AND UNILOBAR LUNG; RSH SYNDROME; RUTLEDGE LETHAL MULTIPLE CONGENITAL ANOMALY SYNDROME. Identifiers: Orphanet 818, MedGen C0175694, MONDO:0010035, OMIM 270400.

Allele frequency attached by ClinVar (database versions not stated): gnomAD exomes 0.00002 and 0.00003; ExAC 0.00005; TOPMed 0.00005; gnomAD 0.00006 and 0.00007; ESP Exome Variant Server 0.00008.
gnomAD v4.1: 41 of 1,608,122 alleles (0.0025%); highest among the groups gnomAD compares: African/African-American, 0.013%; no homozygotes.

Submissions (5):

PreventionGenetics, part of Exact Sciences
Classification: Likely benign for DHCR7-related condition. Last evaluated: 2024-11-16. Review status: criteria provided, single submitter. Criteria: ACMG Guidelines, 2015. Collection method: clinical testing. Allele origin: germline.
Comment: This variant is classified as likely benign based on ACMG/AMP sequence variant interpretation guidelines (Richards et al. 2015 PMID: 25741868, with internal and published modifications).

Labcorp Genetics (formerly Invitae), Labcorp
Classification: Likely benign for Smith-Lemli-Opitz syndrome. Last evaluated: 2023-12-22. Review status: criteria provided, single submitter. Criteria: Invitae Variant Classification Sherloc (09022015). Collection method: clinical testing. Allele origin: germline.

Eurofins Ntd Llc (ga)
Classification: Uncertain significance. Last evaluated: 2018-07-18. Review status: criteria provided, single submitter. Criteria: EGL ClinVar v180209 classification definitions. Collection method: clinical testing. Allele origin: germline. Observed: 1 variant allele, 1 heterozygote.

GeneDx
Classification: Likely benign. Last evaluated: 2016-03-02. Review status: criteria provided, single submitter. Criteria: GeneDx Variant Classification (06012015). Collection method: clinical testing. Allele origin: germline. Affected: yes.
Comment: This variant is considered likely benign or benign based on one or more of the following criteria: it is a conservative change, it occurs at a poorly conserved position in the protein, it is predicted to be benign by multiple in silico algorithms, and/or has population frequency not consistent with disease.

Natera, Inc.
Classification: Uncertain significance for Smith-Lemli-Opitz syndrome. Last evaluated: 2018-04-17. Review status: no assertion criteria provided. Collection method: clinical testing. Allele origin: germline. Not counted in ClinVar's aggregate classification.